The following is an entry in ClinVar:

NM_001048174.2(MUTYH):c.1105del (p.Leu369fs)

Gene: MUTYH (mutY DNA glycosylase; minus strand). Cytogenetic location: 1p34.1.
Variant type: Deletion.
Coding change: c.1105del on transcript NM_001048174.2 (MANE Select); coding-DNA position 1105, one base deleted (C; older notation c.1105delC).
Protein change: p.Leu369fs; shifts the reading frame from leucine 369.
Molecular consequence: frameshift variant. On other transcripts: non-coding transcript variant (7).
Genome position (GRCh38, 1-based): chr1:45,331,554, G deleted on the plus strand (C on the coding strand, the reverse complement: MUTYH is on the minus strand). VCF-style (leftmost placement, unchanged base first): chr1-45331553-AG-A. GRCh37 (hg19) VCF-style: chr1-45797225-AG-A.
Other names: c.1105del, p.Leu369fs (NM_001048171.2, NM_001048173.2, NM_001293195.2 and 6 more transcripts); c.1108del, p.Leu370fs (NM_001048172.2, NM_001407071.1, NM_001407078.1 and 1 more transcripts); c.1189del, p.Leu397fs (NM_001128425.2); c.1150del, p.Leu384fs (NM_001293190.2); c.1138del, p.Leu380fs (NM_001293191.2, NM_001407069.1, NM_001407077.1); c.829del, p.Leu277fs (NM_001293192.2, NM_001293196.2, NM_001407091.1); c.760del, p.Leu254fs (NM_001350650.2, NM_001350651.2, NM_001407082.1); c.1021del, p.Leu341fs (NM_001407075.1); and 5 more; short protein forms L254fs, L277fs, L341fs, L355fs, L356fs, L369fs, L370fs, L376fs.
Identifiers: ClinVar variation 4852006 (VCV004852006.1).

ClinVar aggregate classification (germline): Pathogenic (1 of 4 stars; one submission).

Submission:

Dasa
Classification: Pathogenic. Last evaluated: 2025-09-22. Review status: criteria provided, single submitter. Criteria: DASA Assertion Criteria. Collection method: clinical testing. Allele origin: germline.
Comment: NM_001048174.2(MUTYH):c.1105del (p.Leu369Cysfs*11) introduces a premature termination codon predicted to result in loss of normal protein function. Loss-of-function is an established mechanism of disease for this gene. This variant has been recurrently observed in affected individuals with related phenotype in a genotype context consistent with recessive disease (PMID: 16557584; PMID: 27829682; PMID: 32522261; PMID: 31921681). The variant is present at low frequency in population datasets. Based on the available data, this variant is classified as pathogenic.

Literature cited by the submitters: PubMed 16557584; PubMed 27829682; PubMed 32522261; PubMed 31921681.